The following is an entry in ClinVar:

ClinVar aggregate classification (germline): Uncertain significance (1 of 4 stars; one submission).

Allele frequency attached by ClinVar (database versions not stated): gnomAD exomes below 0.00001; ExAC 0.00001.
gnomAD v4.1: 3 of 1,476,486 alleles (0.0002%); highest among the groups gnomAD compares: South Asian, 0.0011%; no homozygotes.

Submission:

Labcorp Genetics (formerly Invitae), Labcorp
Classification: Uncertain significance. Last evaluated: 2023-02-27. Review status: criteria provided, single submitter. Criteria: Invitae Variant Classification Sherloc (09022015). Collection method: clinical testing. Allele origin: germline.
Comment: Experimental studies and prediction algorithms are not available or were not evaluated, and the functional significance of this variant is currently unknown. This sequence change replaces tyrosine, which is neutral and polar, with cysteine, which is neutral and slightly polar, at codon 73 of the POLR3F protein (p.Tyr73Cys). This variant is present in population databases (rs781279198, gnomAD 0.007%). This variant has not been reported in the literature in individuals affected with POLR3F-related conditions. In summary, the available evidence is currently insufficient to determine the role of this variant in disease. Therefore, it has been classified as a Variant of Uncertain Significance.

NM_006466.4(POLR3F):c.341A>G (p.Tyr114Cys)

Gene: POLR3F (RNA polymerase III subunit F; plus strand). Cytogenetic location: 20p11.23.
Variant type: single nucleotide variant.
Coding change: c.341A>G on transcript NM_006466.4 (MANE Select); coding-DNA position 341, A replaced by G.
Protein change: p.Tyr114Cys; replaces tyrosine 114 with cysteine.
Molecular consequence: missense variant. On other transcripts: non-coding transcript variant (1).
Genome position (GRCh38, 1-based): chr20:18,475,099, A>G. VCF-style: chr20-18475099-A-G. GRCh37 (hg19) VCF-style: chr20-18455743-A-G.
Other names: c.218A>G, p.Tyr73Cys (NM_001282526.2); c.341A>G, p.Tyr114Cys (NM_001410821.1); short protein forms Y73C, Y114C.
Identifiers: ClinVar variation 2841344 (VCV002841344.3), dbSNP rs781279198, ClinGen allele CA9777513.